The following is an entry in ClinVar:

NM_016519.6(AMBN):c.85-1G>T

Gene: AMBN (ameloblastin; plus strand). Cytogenetic location: 4q13.3.
Variant type: single nucleotide variant.
Coding change: c.85-1G>T on transcript NM_016519.6 (MANE Select); the canonical splice acceptor site of the intron before coding-DNA position 85, G replaced by T.
Molecular consequence: splice acceptor variant.
Genome position (GRCh38, 1-based): chr4:70,596,998, G>T. VCF-style: chr4-70596998-G-T. GRCh37 (hg19) VCF-style: chr4-71462715-G-T.
Identifiers: ClinVar variation 4880929 (VCV004880929.2).
Genomic context (GRCh38, chr4:70,596,998, plus strand): 5'-AATGGGCATTGAAGGAAGTTTTGTACCAATAAGACTCAAAATTATTCTTATTTTCATTCA[G>T]TTCTTTCCTCAGCAATCTGGAACACCGGGTATGGCTAGTTTGAGCCTTGAGGTATGTATT-3'

ClinVar aggregate classification (germline): Uncertain significance (1 of 4 stars; one submission).

Submission:

Dasa
Classification: Uncertain significance. Last evaluated: 2025-07-25. Review status: criteria provided, single submitter. Criteria: DASA Assertion Criteria. Collection method: clinical testing. Allele origin: germline.
Comment: NM_016519.6(AMBN):c.85-1G>T affects a canonical splice site and is predicted to disrupt normal RNA splicing. This variant is rare in population databases. The currently available literature and clinical evidence are not sufficient to establish a definitive association between this variant and the reported condition. Therefore, this variant is classified as a variant of uncertain significance.